The following is an entry in ClinVar:

NM_000540.3(RYR1):c.12322C>G (p.Gln4108Glu)

Gene: RYR1 (ryanodine receptor 1; plus strand). Cytogenetic location: 19q13.2.
Variant type: single nucleotide variant.
Coding change: c.12322C>G on transcript NM_000540.3 (MANE Select); coding-DNA position 12322, C replaced by G.
Protein change: p.Gln4108Glu; replaces glutamine 4108 with glutamic acid.
Molecular consequence: missense variant.
Genome position (GRCh38, 1-based): chr19:38,561,152, C>G. VCF-style: chr19-38561152-C-G. GRCh37 (hg19) VCF-style: chr19-39051792-C-G.
Other names: c.12307C>G, p.Gln4103Glu (NM_001042723.2); short protein forms Q4108E, Q4103E.
Identifiers: ClinVar variation 544418 (VCV000544418.11), dbSNP rs774414325, ClinGen allele CA058701.
Genomic context (GRCh38, chr19:38,561,152, plus strand): 5'-GACCTCCCTGCCCGCCCCCAGGCCATGGACAGCCAGAAGCAGTTCAGCGGTCCAGAAATC[C>G]AGTTCCTGCTTTCGTGCTCCGAAGCGGATGAGAACGAAATGATCAACTGCGAAGAGTTCG-3'
Protein context (NP_000531.2, residues 4098-4118): SQKQFSGPEI[Gln4108Glu]FLLSCSEADE

ClinVar aggregate classification (germline): Uncertain significance. Review status: criteria provided, multiple submitters, no conflicts (2 of 4 stars). 5 submissions from 5 submitters: Uncertain significance (5). Last evaluated 2025-10-13.

Conditions:
Malignant hyperthermia, susceptibility to, 1 (MHS1). Also called: RYR1-Related Malignant Hyperthermia Susceptibility; Anesthesia related hyperthermia; Malignant hyperpyrexia; Fulminating hyperpyrexia; Pharmacogenic myopathy; Malignant hyperthermia suceptibility 1. Identifiers: Orphanet 423, MedGen C2930980, MONDO:0007783, OMIM 145600.
Central core myopathy (CMYO1A). Also called: Central core disease; Myopathy, central fibrillar; CONGENITAL MYOPATHY 1A, AUTOSOMAL DOMINANT, WITH SUSCEPTIBILITY TO MALIGNANT HYPERTHERMIA. Identifiers: Orphanet 597, MedGen C5830701, MONDO:0007294, OMIM 117000.
Congenital myopathy with fiber type disproportion. Also called: Congenital fiber-type disproportion; Congenital fiber-type disproportion myopathy. Identifiers: Orphanet 2020, MedGen C0546264, MONDO:0009711. Inheritance: all.
Congenital multicore myopathy with external ophthalmoplegia (CMYO1B). Also called: MULTICORE MYOPATHY; Congenital myopathy 1B, autosomal recessive; Minicore myopathy; MULTIMINICORE DISEASE WITH EXTERNAL OPHTHALMOPLEGIA; Minicore myopathy with external ophthalmoplegia. Identifiers: Orphanet 598, Orphanet 98905, MedGen C1850674, MONDO:0009712, OMIM 255320, HP:0003789.
RYR1-related disorder. Also called: RYR1-related condition; RYR1-related disorders. Identifiers: MedGen CN239331.

Allele frequency attached by ClinVar (database versions not stated): gnomAD 0.00002; gnomAD exomes 0.00002 and 0.00005; ExAC 0.00004; TOPMed 0.00004.
gnomAD v4.1: 14 of 1,614,036 alleles (0.00087%); highest among the groups gnomAD compares: Admixed American, 0.023%; no homozygotes.

Submissions (5):

Women's Health and Genetics/Laboratory Corporation of America, LabCorp
Classification: Uncertain significance. Last evaluated: 2025-10-13. Review status: criteria provided, single submitter. Criteria: LabCorp Variant Classification Summary - May 2015. Collection method: clinical testing. Allele origin: germline.
Comment: Variant summary: RYR1 c.12322C>G (p.Gln4108Glu) results in a conservative amino acid change in the encoded protein sequence. Algorithms developed to predict the effect of missense changes on protein structure and function are either unavailable or do not agree on the potential impact of this missense change. The variant allele was found at a frequency of 4.8e-05 in 249316 control chromosomes. This frequency is not significantly higher than estimated for disease-causing variants in RYR1, allowing no conclusion about variant significance. c.12322C>G has been observed in individual(s) affected with dilated Cardiomyopathy (example: Carnevale_2020). These report(s) do not provide unequivocal conclusions about association of the variant with Myopathy, RYR1-Associated. To our knowledge, no experimental evidence demonstrating an impact on protein function has been reported. The following publication has been ascertained in the context of this evaluation (PMID: 32969603). ClinVar contains an entry for this variant (Variation ID: 544418). Based on the evidence outlined above, the variant was classified as uncertain significance.

GeneDx
Classification: Uncertain significance. Last evaluated: 2024-12-08. Review status: criteria provided, single submitter. Criteria: GeneDx Variant Classification Process June 2021. Collection method: clinical testing. Allele origin: germline. Affected: yes.
Comment: Reported previously in the heterozygous state in a patient with familial dilated cardiomyopathy; however, no further clinical or segregation information was provided (PMID: 32969603); In silico analysis indicates that this missense variant does not alter protein structure/function; This variant is associated with the following publications: (PMID: 32969603)

Labcorp Genetics (formerly Invitae), Labcorp
Classification: Uncertain significance for RYR1-related disorder. Last evaluated: 2024-05-15. Review status: criteria provided, single submitter. Criteria: Invitae Variant Classification Sherloc (09022015). Collection method: clinical testing. Allele origin: germline.
Comment: This sequence change replaces glutamine, which is neutral and polar, with glutamic acid, which is acidic and polar, at codon 4108 of the RYR1 protein (p.Gln4108Glu). This variant is present in population databases (rs774414325, gnomAD 0.04%). This variant has not been reported in the literature in individuals affected with RYR1-related conditions. ClinVar contains an entry for this variant (Variation ID: 544418). Advanced modeling of protein sequence and biophysical properties (such as structural, functional, and spatial information, amino acid conservation, physicochemical variation, residue mobility, and thermodynamic stability) performed at Invitae indicates that this missense variant is not expected to disrupt RYR1 protein function with a negative predictive value of 95%. In summary, the available evidence is currently insufficient to determine the role of this variant in disease. Therefore, it has been classified as a Variant of Uncertain Significance.

All of Us Research Program, National Institutes of Health
Classification: Uncertain significance for Malignant hyperthermia, susceptibility to, 1. Last evaluated: 2024-04-16. Review status: criteria provided, single submitter. Criteria: ACMG Guidelines, 2015. Collection method: clinical testing. Allele origin: germline. Inheritance: Autosomal dominant inheritance. Observed: 6 variant alleles, 6 heterozygotes.
Comment: This missense variant replaces glutamine with glutamic acid at codon 4108 of the RYR1 protein. Computational prediction suggests that this variant may not impact protein structure and function (internally defined REVEL score threshold <= 0.5, PMID: 27666373). To our knowledge, functional studies have not been reported for this variant. This variant has not been reported in individuals affected with RYR1-related disorders in the literature. This variant has been identified in 12/249316 chromosomes in the general population by the Genome Aggregation Database (gnomAD). The available evidence is insufficient to determine the role of this variant in disease conclusively. Therefore, this variant is classified as a Variant of Uncertain Significance.

This study involves interpretation of variants in research participants for the purpose of population health screening. Participant phenotype was not available at the time of variant classification. Additional details can be found in publication PMID: 35346344, PMCID: PMC8962531

Fulgent Genetics
Classification: Uncertain significance for Central core myopathy; Malignant hyperthermia, susceptibility to, 1; Congenital myopathy 4A, autosomal dominant; Congenital multicore myopathy with external ophthalmoplegia. Last evaluated: 2018-10-31. Review status: criteria provided, single submitter. Criteria: ACMG Guidelines, 2015. Collection method: clinical testing. Allele origin: unknown.

Literature cited by the submitters: PubMed 32969603 (cited by Women's Health and Genetics/Laboratory Corporation of America, LabCorp).